The following is an entry in ClinVar:

NM_178012.5(TUBB2B):c.1261G>A (p.Glu421Lys)

Gene: TUBB2B (tubulin beta 2B class IIb; minus strand). Cytogenetic location: 6p25.2.
Variant type: single nucleotide variant.
Coding change: c.1261G>A on transcript NM_178012.5 (MANE Select); coding-DNA position 1261, G replaced by A.
Protein change: p.Glu421Lys; replaces glutamic acid 421 with lysine.
Molecular consequence: missense variant.
Genome position (GRCh38, 1-based): chr6:3,224,828, C>T on the plus strand (G>A on the coding strand, the complement: TUBB2B is on the minus strand). VCF-style: chr6-3224828-C-T. GRCh37 (hg19) VCF-style: chr6-3225062-C-T.
Other names: short protein forms E421K.
Identifiers: ClinVar variation 88897 (VCV000088897.5), dbSNP rs398122369, ClinGen allele CA345331.
Genomic context (GRCh38, chr6:3,224,828, plus strand): 5'-CCTCCTCCTCCTCGAACTCCCCTTGTTCGTCGGCCGTGGCGTCCTGGTACTGCTGGTACT[C>T]GGACACCAGGTCGTTCATGTTGCTCTCGGCCTCGGTGAACTCCATCTCGTCCATGCCCTC-3'
Protein context (NP_821080.1, residues 411-431): AESNMNDLVS[Glu421Lys]YQQYQDATAD

ClinVar aggregate classification (germline): Pathogenic. Review status: criteria provided, multiple submitters, no conflicts (2 of 4 stars). 5 submissions from 5 submitters: Pathogenic (2). 3 of the submissions do not count toward it. Last evaluated 2025-02-18.

Conditions:
Lissencephaly. Also called: Lissencephaly spectrum disorders. Identifiers: Orphanet 48471, MedGen C0266463, MeSH D054082, MONDO:0018838, HP:0001339.
Complex cortical dysplasia with other brain malformations 7. Identifiers: Orphanet 300573, MedGen C3552236, MONDO:0012399, OMIM 610031.

Submissions (5):

Labcorp Genetics (formerly Invitae), Labcorp
Classification: Pathogenic. Last evaluated: 2025-02-18. Review status: criteria provided, single submitter. Criteria: Invitae Variant Classification Sherloc (09022015). Collection method: clinical testing. Allele origin: germline.
Comment: This sequence change replaces glutamic acid, which is acidic and polar, with lysine, which is basic and polar, at codon 421 of the TUBB2B protein (p.Glu421Lys). This variant is not present in population databases (gnomAD no frequency). This missense change has been observed in individual(s) with TUBB2B-related conditions (PMID: 23001566, 28677066, 29671837). In at least one individual the variant was observed to be de novo. It has also been observed to segregate with disease in related individuals. ClinVar contains an entry for this variant (Variation ID: 88897). Invitae Evidence Modeling of protein sequence and biophysical properties (such as structural, functional, and spatial information, amino acid conservation, physicochemical variation, residue mobility, and thermodynamic stability) indicates that this missense variant is expected to disrupt TUBB2B protein function with a positive predictive value of 80%. Experimental studies have shown that this missense change affects TUBB2B function (PMID: 23001566). For these reasons, this variant has been classified as Pathogenic.

Clinical Genetics Service, Universitary Hospital 12 de Octubre
Classification: Pathogenic for Complex cortical dysplasia with other brain malformations 7. Review status: criteria provided, single submitter. Criteria: ACMG Guidelines, 2015. Collection method: clinical testing. Allele origin: de novo. Affected: yes.

OMIM
Classification: Pathogenic for CORTICAL DYSPLASIA, COMPLEX, WITH OTHER BRAIN MALFORMATIONS 7. Last evaluated: 2012-12-15. Review status: no assertion criteria provided. Collection method: literature only. Allele origin: germline. Not counted in ClinVar's aggregate classification.

GeneReviews
No classification provided. Condition: Complex cortical dysplasia with other brain malformations 7. Review status: no classification provided. Collection method: literature only. Allele origin: germline. Affected: yes. Not counted in ClinVar's aggregate classification.
Comment: Congenital fibrosis of the extraocular muscles (CFEOM)

University of Washington Center for Mendelian Genomics, University of Washington
Classification: Likely pathogenic for lissencephaly. Review status: no assertion criteria provided. Collection method: research. Allele origin: de novo. Affected: yes. Not counted in ClinVar's aggregate classification.

Literature cited by the submitters: PubMed 23001566 (cited by 3 submitters); PubMed 28677066 (cited by Labcorp Genetics (formerly Invitae), Labcorp); PubMed 29671837 (cited by Labcorp Genetics (formerly Invitae), Labcorp and University of Washington Center for Mendelian Genomics, University of Washington); PubMed 11425694 (cited by OMIM); NCBI Bookshelf NBK350554 (cited by GeneReviews).